The following is an entry in ClinVar:

ClinVar aggregate classification (germline): Likely pathogenic. Review status: criteria provided, multiple submitters, no conflicts (2 of 4 stars). 2 submissions from 2 submitters: Likely pathogenic (2). Last evaluated 2026-01-19.

Conditions:
Dilated cardiomyopathy 1G (CMD1G). Identifiers: Orphanet 154, MedGen C1858763, MONDO:0011400, OMIM 604145.
Autosomal recessive limb-girdle muscular dystrophy type 2J (LGMDR10). Also called: Limb-girdle muscular dystrophy, type 2J; MUSCULAR DYSTROPHY, LIMB-GIRDLE, AUTOSOMAL RECESSIVE 10. Identifiers: Orphanet 140922, MedGen C1837342, MONDO:0012127, OMIM 608807.
Primary dilated cardiomyopathy (DCM). Also called: Dilated Cardiomyopathy. Identifiers: Orphanet 217604, MedGen C0007193, MeSH D002311, MONDO:0005021, HP:0001644. Inheritance: Various modes of inheritance.

Submissions (2):

Labcorp Genetics (formerly Invitae), Labcorp
Classification: Likely pathogenic for Dilated cardiomyopathy 1G; Autosomal recessive limb-girdle muscular dystrophy type 2J. Last evaluated: 2026-01-19. Review status: criteria provided, single submitter. Criteria: Invitae Variant Classification Sherloc (09022015). Collection method: clinical testing. Allele origin: germline.
Comment: This sequence change creates a premature translational stop signal (p.Gln4253*) in the TTN gene. While this is not anticipated to result in nonsense mediated decay, it is expected to create a truncated TTN protein. This variant is not present in population databases (gnomAD no frequency). This variant has not been observed in the literature in individuals with autosomal recessive TTN-related conditions. This variant has been reported in individual(s) with dilated cardiomyopathy (PMID: 25589632, 31983221, 37652022); however, the role of the variant in this condition is currently unclear. ClinVar contains an entry for this variant (Variation ID: 223268). This variant is located in the I band of TTN (PMID: 25589632). Truncating variants in this region have been reported in individuals affected with autosomal recessive centronuclear myopathy (PMID: 23975875, internal data). Truncating variants in this region have also been identified in individuals affected with autosomal dominant dilated cardiomyopathy and/or cardio-related conditions (PMID: 27869827, 32964742, internal data). In summary, the currently available evidence indicates that the variant is pathogenic, but additional data are needed to prove that conclusively. Therefore, this variant has been classified as Likely Pathogenic.

Cardiovascular Biomedical Research Unit, Royal Brompton & Harefield NHS Foundation Trust
Classification: Likely pathogenic for Primary dilated cardiomyopathy. Last evaluated: 2014-10-08. Review status: criteria provided, single submitter. Criteria: Roberts et al. 2015. Collection method: research. Allele origin: germline. Inheritance: Autosomal dominant inheritance. Affected: yes. Observed: 1 variant allele. Study: Unselected DCM.
Comment: In the seven cohorts assessed, TTNtv were found in 14% of ambulant DCM, 22% end-stage or familial DCM, and 2% controls. Heterozygous nonsense, frameshift and canonical splice-disrupting variants found in constitutive and other highly utilised exons are highly likely to be pathogenic when identified in individuals with phenotypically confirmed DCM. TTNtv found incidentally in healthy individuals (excluding familial assessment of DCM relatives) are thought to have low penetrance, particularly when identified in exons that are not constitutively expressed in the heart.

Literature cited by the submitters: PubMed 25589632 (cited by Labcorp Genetics (formerly Invitae), Labcorp); PubMed 31983221 (cited by Labcorp Genetics (formerly Invitae), Labcorp); PubMed 37652022 (cited by Labcorp Genetics (formerly Invitae), Labcorp); PubMed 23975875 (cited by Labcorp Genetics (formerly Invitae), Labcorp); PubMed 27869827 (cited by Labcorp Genetics (formerly Invitae), Labcorp); PubMed 32964742 (cited by Labcorp Genetics (formerly Invitae), Labcorp).

NM_001267550.2(TTN):c.12757C>T (p.Gln4253Ter)

Gene: TTN (titin; minus strand). Cytogenetic location: 2q31.2.
Variant type: single nucleotide variant.
Coding change: c.12757C>T on transcript NM_001267550.2 (MANE Select); coding-DNA position 12757, C replaced by T.
Protein change: p.Gln4253Ter; replaces glutamine 4253 with a stop codon.
Molecular consequence: nonsense. On other transcripts: intron variant (1).
Genome position (GRCh38, 1-based): chr2:178,740,476, G>A on the plus strand (C>T on the coding strand, the complement: TTN is on the minus strand). VCF-style: chr2-178740476-G-A. GRCh37 (hg19) VCF-style: chr2-179605203-G-A.
Other names: c.11806C>T, p.Gln3936Ter (NM_001256850.1); c.11668C>T, p.Gln3890Ter (NM_003319.4); c.12043C>T, p.Gln4015Ter (NM_133432.3); c.12244C>T, p.Gln4082Ter (NM_133437.4); c.10361-2116C>T (NM_133378.4); c.12757C>T (LRG_391t1); short protein forms Q4253*, Q3936*, Q4015*, Q3890*, Q4082*.
Identifiers: ClinVar variation 223268 (VCV000223268.2), dbSNP rs869312039, ClinGen allele CA353074.